The following is an entry in ClinVar:

ClinVar aggregate classification (germline): Benign. Review status: reviewed by expert panel (3 of 4 stars). 13 submissions from 13 submitters: Benign (1). 12 of the submissions do not count toward it. Last evaluated 2019-06-18.

Conditions:
Hereditary breast ovarian cancer syndrome. Also called: Hereditary breast and ovarian cancer syndrome; Hereditary breast and ovarian cancer; Hereditary breast and ovarian cancer syndrome (HBOC); Breast and ovarian cancer; Hereditary breast and/or ovarian cancer syndrome; BRCA1- and BRCA2-Associated Hereditary Breast and Ovarian Cancer. Identifiers: Orphanet 145, MedGen C0677776, MeSH D061325, MONDO:0003582. Disease mechanism: loss of function.
Breast-ovarian cancer, familial, susceptibility to, 2 (BROVCA2). Also called: BRCA2 Hereditary Breast and Ovarian Cancer. Identifiers: Orphanet 145, MedGen C2675520, MONDO:0012933, OMIM 612555. Disease mechanism: loss of function.

Allele frequency attached by ClinVar (database versions not stated): TOPMed 0.00014; gnomAD 0.00018.
gnomAD v4.1: 273 of 1,612,542 alleles (0.017%); highest among the groups gnomAD compares: Middle Eastern, 0.23%; no homozygotes.

Submissions (13):

Evidence-based Network for the Interpretation of Germline Mutant Alleles (ENIGMA)
Classification: Benign for Breast-ovarian cancer, familial, susceptibility to, 2. Last evaluated: 2019-06-18. Review status: reviewed by expert panel. Criteria: ENIGMA BRCA1/2 Classification Criteria (2017-06-29). Collection method: curation. Allele origin: germline.
Comment: IARC class based on posterior probability from multifactorial likelihood analysis, thresholds for class as per Plon et al. 2008 (PMID: 18951446). Class 1 based on posterior probability = 2.09E-09

Labcorp Genetics (formerly Invitae), Labcorp
Classification: Benign for Hereditary breast ovarian cancer syndrome. Last evaluated: 2025-07-31. Review status: criteria provided, single submitter. Criteria: Invitae Variant Classification Sherloc (09022015). Collection method: clinical testing. Allele origin: germline. Not counted in ClinVar's aggregate classification.

GeneKor MSA
Classification: Benign for Hereditary breast ovarian cancer syndrome. Last evaluated: 2025-07-10. Review status: criteria provided, single submitter. Criteria: ACMG Guidelines, 2015. Collection method: clinical testing. Allele origin: germline. Not counted in ClinVar's aggregate classification.

Center for Genomic Medicine, Rigshospitalet, Copenhagen University Hospital
Classification: Benign. Last evaluated: 2025-03-04. Review status: criteria provided, single submitter. Criteria: ACMG Guidelines, 2015. Collection method: clinical testing. Allele origin: germline. Not counted in ClinVar's aggregate classification.

Mendelics
Classification: Likely benign for Breast-ovarian cancer, familial, susceptibility to, 2. Last evaluated: 2019-05-28. Review status: criteria provided, single submitter. Criteria: Mendelics Assertion Criteria 2017. Collection method: clinical testing. Allele origin: unknown. Not counted in ClinVar's aggregate classification.

Department of Pathology and Laboratory Medicine, Sinai Health System
Classification: Likely benign. Last evaluated: 2017-10-25. Review status: criteria provided, single submitter. Criteria: ACMG Guidelines, 2015. Collection method: clinical testing. Allele origin: germline. Affected: yes. Study: Canadian Open Genetics Repository (COGR). Not counted in ClinVar's aggregate classification.

Breakthrough Genomics
Classification: Benign. Review status: criteria provided, single submitter. Criteria: ACMG Guidelines, 2015. Collection method: not provided. Allele origin: germline. Inheritance: Autosomal recessive inheritance. Affected: yes. Not counted in ClinVar's aggregate classification.

Counsyl
Classification: Likely benign for Breast-ovarian cancer, familial 2. Last evaluated: 2014-09-11. Review status: no assertion criteria provided. Collection method: literature only. Allele origin: unknown. Inheritance: Autosomal dominant inheritance. Not counted in ClinVar's aggregate classification.

Breast Cancer Information Core (BIC) (BRCA2)
Classification: Uncertain significance for Breast-ovarian cancer, familial 2. Last evaluated: 2010-12-17. Review status: no assertion criteria provided. Collection method: clinical testing. Allele origin: germline. Affected: yes. Observed: 1 variant allele. Not counted in ClinVar's aggregate classification.

Clinical Genetics DNA and cytogenetics Diagnostics Lab, Erasmus MC, Erasmus Medical Center
Classification: Benign. Review status: no assertion criteria provided. Collection method: clinical testing. Allele origin: germline. Affected: yes. Study: VKGL Data-share Consensus. Not counted in ClinVar's aggregate classification.

Clinical Genetics Laboratory, Department of Pathology, Netherlands Cancer Institute
Classification: Likely benign. Review status: no assertion criteria provided. Collection method: clinical testing. Allele origin: germline. Affected: yes. Study: VKGL Data-share Consensus. Not counted in ClinVar's aggregate classification.

Genome Diagnostics Laboratory, University Medical Center Utrecht
Classification: Benign. Review status: no assertion criteria provided. Collection method: clinical testing. Allele origin: germline. Affected: yes. Study: VKGL Data-share Consensus. Not counted in ClinVar's aggregate classification.

Joint Genome Diagnostic Labs from Nijmegen and Maastricht, Radboudumc and MUMC+
Classification: Likely benign. Review status: no assertion criteria provided. Collection method: clinical testing. Allele origin: germline. Affected: yes. Study: VKGL Data-share Consensus. Not counted in ClinVar's aggregate classification.

Literature cited by the submitters: PubMed 31131967 (cited by Evidence-based Network for the Interpretation of Germline Mutant Alleles (ENIGMA)); PubMed 22505045 (cited by Counsyl).

NM_000059.4(BRCA2):c.7976+23C>T

Gene: BRCA2 (BRCA2 DNA repair associated; plus strand). Cytogenetic location: 13q13.1.
Variant type: single nucleotide variant.
Coding change: c.7976+23C>T on transcript NM_000059.4 (MANE Select); 23 bases into the intron after coding-DNA position 7976, C replaced by T.
Molecular consequence: intron variant.
Genome position (GRCh38, 1-based): chr13:32,362,716, C>T. VCF-style: chr13-32362716-C-T. GRCh37 (hg19) VCF-style: chr13-32936853-C-T.
Other names: IVS17+23C>T.
Identifiers: ClinVar variation 52453 (VCV000052453.24), dbSNP rs183623188, ClinGen allele CA025365.